The following is an entry in ClinVar:

ClinVar aggregate classification (germline): Conflicting classifications of pathogenicity. Review status: criteria provided, conflicting classifications (1 of 4 stars). 4 submissions from 4 submitters: Uncertain significance (1); Benign (1); Likely benign (1). 1 of the submissions does not count toward it. Last evaluated 2026-01-19.

Conditions:
Rubinstein-Taybi syndrome (RSTS). Identifiers: Orphanet 783, MedGen C0035934, MONDO:0019188.
CREBBP-related disorder. Also called: CREBBP-related disorders; CREBBP-related condition.

Allele frequency attached by ClinVar (database versions not stated): gnomAD 0.00001; TOPMed 0.00001; ESP Exome Variant Server 0.00015.
gnomAD v4.1: 167 of 1,614,048 alleles (0.01%); highest among the groups gnomAD compares: Non-Finnish European, 0.014%; no homozygotes.

Submissions (4):

Labcorp Genetics (formerly Invitae), Labcorp
Classification: Benign for Rubinstein-Taybi syndrome. Last evaluated: 2026-01-19. Review status: criteria provided, single submitter. Criteria: Invitae Variant Classification Sherloc (09022015). Collection method: clinical testing. Allele origin: germline.

Blueprint Genetics
Classification: Likely benign. Last evaluated: 2023-11-10. Review status: criteria provided, single submitter. Criteria: ACMG Guidelines, 2015. Collection method: clinical testing. Allele origin: germline.

Genetic Services Laboratory, University of Chicago
Classification: Uncertain significance. Last evaluated: 2023-02-08. Review status: criteria provided, single submitter. Criteria: ACMG Guidelines, 2015. Collection method: clinical testing. Allele origin: germline. Affected: no.
Comment: DNA sequence analysis of the CREBBP gene demonstrated a sequence change, c.2951A>G, in exon 15 that results in an amino acid change, p.Asn984Ser. This sequence change does not appear to have been previously described in individuals with CREBBP-related disorders. This sequence change has been described in the gnomAD database with a frequency of 0.0036% in the overall population (dbSNP rs150923988). The p.Asn984Ser change affects a poorly conserved amino acid residue located in a domain of the CREBBP protein that is not known to be functional. The p.Asn984Ser substitution appears to be benign using several in-silico pathogenicity prediction tools (SIFT, PolyPhen2, Align GVGD, REVEL). Due to insufficient evidences and the lack of functional studies, the clinical significance of the p.Asn984Ser change remains unknown at this time.

PreventionGenetics, part of Exact Sciences
Classification: Uncertain significance for CREBBP-related condition. Last evaluated: 2023-12-29. Review status: no assertion criteria provided. Collection method: clinical testing. Allele origin: germline. Not counted in ClinVar's aggregate classification.
Comment: The CREBBP c.2951A>G variant is predicted to result in the amino acid substitution p.Asn984Ser. To our knowledge, this variant has not been reported in the literature. This variant is reported in 0.0062% of alleles in individuals of African descent in gnomAD, including two individuals from the control cohort. This population data provides evidence against pathogenicity. Although we suspect this variant may be benign, at this time, the clinical significance is uncertain due to the absence of conclusive functional and genetic evidence.

NM_004380.3(CREBBP):c.2951A>G (p.Asn984Ser)

Gene: CREBBP (CREB binding lysine acetyltransferase; minus strand). Cytogenetic location: 16p13.3.
Variant type: single nucleotide variant.
Coding change: c.2951A>G on transcript NM_004380.3 (MANE Select); coding-DNA position 2951, A replaced by G.
Protein change: p.Asn984Ser; replaces asparagine 984 with serine.
Molecular consequence: missense variant.
Genome position (GRCh38, 1-based): chr16:3,769,283, T>C on the plus strand (A>G on the coding strand, the complement: CREBBP is on the minus strand). VCF-style: chr16-3769283-T-C. GRCh37 (hg19) VCF-style: chr16-3819284-T-C.
Other names: c.2837A>G, p.Asn946Ser (NM_001079846.1); c.2951A>G (NM_004380.2); short protein forms N946S, N984S.
Identifiers: ClinVar variation 2039985 (VCV002039985.8), dbSNP rs150923988, ClinGen allele CA7869983.